The following is an entry in ClinVar:

ClinVar aggregate classification (germline): Benign (0 of 4 stars; one submission).

Conditions:
GAS2L2-related disorder. Also called: GAS2L2-related condition.

Allele frequency attached by ClinVar (database versions not stated): ExAC 0.00178; 1000 Genomes Project 0.00339; 1000 Genomes Project 30x 0.00359; TOPMed 0.00626; ESP Exome Variant Server 0.00646.

Submission:

PreventionGenetics, part of Exact Sciences
Classification: Benign for GAS2L2-related condition. Last evaluated: 2020-01-06. Review status: no assertion criteria provided. Collection method: clinical testing. Allele origin: germline.
Comment: This variant is classified as benign based on ACMG/AMP sequence variant interpretation guidelines (Richards et al. 2015 PMID: 25741868, with internal and published modifications).

NM_139285.4(GAS2L2):c.2548G>A (p.Ala850Thr)

Gene: GAS2L2 (growth arrest specific 2 like 2; minus strand). Cytogenetic location: 17q12.
Variant type: single nucleotide variant.
Coding change: c.2548G>A on transcript NM_139285.4 (MANE Select); coding-DNA position 2548, G replaced by A.
Protein change: p.Ala850Thr; replaces alanine 850 with threonine.
Molecular consequence: missense variant.
Genome position (GRCh38, 1-based): chr17:35,744,949, C>T on the plus strand (G>A on the coding strand, the complement: GAS2L2 is on the minus strand). VCF-style: chr17-35744949-C-T. GRCh37 (hg19) VCF-style: chr17-34071968-C-T.
Other names: short protein forms A850T.
Identifiers: ClinVar variation 3034870 (VCV003034870.2), dbSNP rs145918686, ClinGen allele CA8505821.